The following is an entry in ClinVar:

NM_001292063.2(OTOG):c.5626C>T (p.Leu1876=)

Gene: OTOG (otogelin; plus strand). Cytogenetic location: 11p15.1.
Variant type: single nucleotide variant.
Coding change: c.5626C>T on transcript NM_001292063.2 (MANE Select); coding-DNA position 5626, C replaced by T.
Protein change: p.Leu1876=; no amino-acid change (leucine 1876 retained).
Molecular consequence: synonymous variant.
Genome position (GRCh38, 1-based): chr11:17,610,926, C>T. VCF-style: chr11-17610926-C-T. GRCh37 (hg19) VCF-style: chr11-17632473-C-T.
Other names: c.5662C>T (NM_001277269.1); c.5662C>T, p.Leu1888= (NM_001277269.2).
Identifiers: ClinVar variation 1538736 (VCV001538736.8), dbSNP rs748088599, ClinGen allele CA5905939.

ClinVar aggregate classification (germline): Conflicting classifications of pathogenicity. Review status: criteria provided, conflicting classifications (1 of 4 stars). 2 submissions from 2 submitters: Uncertain significance (1); Likely benign (1). Last evaluated 2024-05-15.

Allele frequency attached by ClinVar (database versions not stated): TOPMed 0.00004; gnomAD 0.00005; ExAC 0.00006; gnomAD exomes 0.00006 and 0.00008.
gnomAD v4.1: 116 of 1,550,290 alleles (0.0075%); highest among the groups gnomAD compares: Non-Finnish European, 0.0095%; no homozygotes.

Submissions (2):

Labcorp Genetics (formerly Invitae), Labcorp
Classification: Likely benign. Last evaluated: 2024-05-15. Review status: criteria provided, single submitter. Criteria: Invitae Variant Classification Sherloc (09022015). Collection method: clinical testing. Allele origin: germline.

GeneDx
Classification: Uncertain significance. Last evaluated: 2022-09-06. Review status: criteria provided, single submitter. Criteria: GeneDx Variant Classification Process June 2021. Collection method: clinical testing. Allele origin: germline. Affected: yes.
Comment: In silico analysis supports that this variant does not alter splicing; Has not been previously published as pathogenic or benign to our knowledge